The following is an entry in ClinVar:

NM_012434.5(SLC17A5):c.1202C>T (p.Thr401Ile)

Gene: SLC17A5 (solute carrier family 17 member 5; minus strand). Cytogenetic location: 6q13.
Variant type: single nucleotide variant.
Coding change: c.1202C>T on transcript NM_012434.5 (MANE Select); coding-DNA position 1202, C replaced by T.
Protein change: p.Thr401Ile; replaces threonine 401 with isoleucine.
Molecular consequence: missense variant.
Genome position (GRCh38, 1-based): chr6:73,610,457, G>A on the plus strand (C>T on the coding strand, the complement: SLC17A5 is on the minus strand). VCF-style: chr6-73610457-G-A. GRCh37 (hg19) VCF-style: chr6-74320180-G-A.
Other names: c.971C>T, p.Thr324Ile (NM_001382629.1); c.1202C>T, p.Thr401Ile (NM_001382630.1, NM_001382633.1); c.1223C>T, p.Thr408Ile (NM_001382631.1); c.1115C>T, p.Thr372Ile (NM_001382632.1); c.1043C>T, p.Thr348Ile (NM_001382634.1); c.1199C>T, p.Thr400Ile (NM_001382635.1); c.884C>T, p.Thr295Ile (NM_001382636.1); short protein forms T401I, T348I, T400I, T295I, T372I, T324I, T408I.
Identifiers: ClinVar variation 2095734 (VCV002095734.4), dbSNP rs2533412930, ClinGen allele CA364721023.

ClinVar aggregate classification (germline): Uncertain significance (1 of 4 stars; one submission).

Conditions:
Salla disease (SD). Also called: Less Severe FSASD (Salla Disease); Sialuria, Finnish type; N-acetylneuraminic acid (NANA) storage disease (NSD); Infantile sialic acid storage disorder (ISSD). Identifiers: Orphanet 309334, Orphanet 834, MedGen C1096903, MONDO:0011449, OMIM 604369.

Submission:

Labcorp Genetics (formerly Invitae), Labcorp
Classification: Uncertain significance for Salla disease. Last evaluated: 2022-05-16. Review status: criteria provided, single submitter. Criteria: Invitae Variant Classification Sherloc (09022015). Collection method: clinical testing. Allele origin: germline.
Comment: In summary, the available evidence is currently insufficient to determine the role of this variant in disease. Therefore, it has been classified as a Variant of Uncertain Significance. Algorithms developed to predict the effect of missense changes on protein structure and function are either unavailable or do not agree on the potential impact of this missense change (SIFT: "Deleterious"; PolyPhen-2: "Possibly Damaging"; Align-GVGD: "Class C0"). This variant has not been reported in the literature in individuals affected with SLC17A5-related conditions. This variant is not present in population databases (gnomAD no frequency). This sequence change replaces threonine, which is neutral and polar, with isoleucine, which is neutral and non-polar, at codon 401 of the SLC17A5 protein (p.Thr401Ile).